The following is an entry in ClinVar:

NM_000548.5(TSC2):c.5238C>T (p.His1746=)

Gene: TSC2 (TSC complex subunit 2; plus strand). Cytogenetic location: 16p13.3.
Variant type: single nucleotide variant.
Coding change: c.5238C>T on transcript NM_000548.5 (MANE Select); coding-DNA position 5238, C replaced by T.
Protein change: p.His1746=; no amino-acid change (histidine 1746 retained).
Molecular consequence: synonymous variant.
Genome position (GRCh38, 1-based): chr16:2,088,304, C>T. VCF-style: chr16-2088304-C-T. GRCh37 (hg19) VCF-style: chr16-2138305-C-T.
Other names: c.5037C>T, p.His1679= (NM_001077183.3); c.5169C>T, p.His1723= (NM_001114382.3); c.4929C>T, p.His1643= (NM_001318827.2); c.4893C>T, p.His1631= (NM_001318829.2); c.4506C>T, p.His1502= (NM_001318831.2); c.5070C>T, p.His1690= (NM_001318832.2); c.5040C>T, p.His1680= (NM_001363528.2); c.5106C>T, p.His1702= (NM_001370404.1); and 2 more.
Identifiers: ClinVar variation 413631 (VCV000413631.17), dbSNP rs1060504084, ClinGen allele CA16615045.

ClinVar aggregate classification (germline): Conflicting classifications of pathogenicity. Review status: criteria provided, conflicting classifications (1 of 4 stars). 5 submissions from 5 submitters: Uncertain significance (1); Benign (1); Likely benign (3). Last evaluated 2025-07-29.

Conditions:
Hereditary cancer-predisposing syndrome. Also called: Neoplastic Syndromes, Hereditary; Tumor predisposition; Hereditary Cancer Syndrome; Hereditary neoplastic syndrome. Identifiers: Orphanet 140162, MedGen C0027672, MeSH D009386, MONDO:0015356.
Tuberous sclerosis 2 (TSC2). Identifiers: Orphanet 805, MedGen C1860707, MONDO:0013199, OMIM 613254.

Allele frequency attached by ClinVar (database versions not stated): TOPMed below 0.00001; gnomAD exomes 0.00001.
gnomAD v4.1: 6 of 1,612,690 alleles (0.00037%); highest among the groups gnomAD compares: Admixed American, 0.005%; no homozygotes.

Submissions (5):

Labcorp Genetics (formerly Invitae), Labcorp
Classification: Likely benign for Tuberous sclerosis 2. Last evaluated: 2025-07-29. Review status: criteria provided, single submitter. Criteria: Invitae Variant Classification Sherloc (09022015). Collection method: clinical testing. Allele origin: germline.

Myriad Genetics, Inc.
Classification: Benign for Tuberous sclerosis 2. Last evaluated: 2025-06-06. Review status: criteria provided, single submitter. Criteria: Myriad Autosomal Dominant, Autosomal Recessive and X-Linked Classification Criteria (2023). Collection method: clinical testing. Allele origin: unknown.
Comment: This variant is considered benign. This variant is a silent/synonymous amino acid change and it is not expected to impact splicing.

Blueprint Genetics
Classification: Likely benign. Last evaluated: 2023-09-25. Review status: criteria provided, single submitter. Criteria: ACMG Guidelines, 2015. Collection method: clinical testing. Allele origin: germline.

GeneDx
Classification: Uncertain significance. Last evaluated: 2022-04-13. Review status: criteria provided, single submitter. Criteria: GeneDx Variant Classification Process June 2021. Collection method: clinical testing. Allele origin: germline. Affected: yes.
Comment: In silico analysis supports that this variant does not alter splicing; Has not been previously published as pathogenic or benign to our knowledge; This variant is associated with the following publications: (PMID: 31927531)

Ambry Genetics
Classification: Likely benign for Hereditary cancer-predisposing syndrome. Last evaluated: 2022-03-24. Review status: criteria provided, single submitter. Criteria: Ambry Variant Classification Scheme 2023. Collection method: clinical testing. Allele origin: germline.